The following is an entry in ClinVar:

NM_007294.4(BRCA1):c.3376_3386dup (p.Ile1129_Ser1130insHisIleTer)

Genes: BRCA1 (BRCA1 DNA repair associated; minus strand), LOC126862571 (BRD4-independent group 4 enhancer GRCh37_chr17:41243136-41244335; plus strand). Cytogenetic location: 17q21.31.
Variant type: Duplication.
Coding change: c.3376_3386dup on transcript NM_007294.4 (MANE Select); coding-DNA positions 3376 to 3386, 11 bases duplicated (CCATATCTGAT).
Protein change: p.Ile1129_Ser1130insHisIleTer.
Molecular consequence: nonsense, inframe insertion. On other transcripts: intron variant (137).
Genome position (GRCh38, 1-based): chr17:43,092,145-43,092,155, ATCAGATATGG duplicated on the plus strand (CCATATCTGAT on the coding strand, the reverse complement: BRCA1 is on the minus strand); duplicating any 11 consecutive bases within chr17:43,092,145-43,092,156 gives the same sequence; the c. name uses the placement nearest the transcript's 3' end. VCF-style (leftmost placement, unchanged base first): chr17-43092144-A-AATCAGATATGG. GRCh37 (hg19) VCF-style: chr17-41244161-A-AATCAGATATGG.
Other names: c.3373_3383dup, p.Ile1128_Ser1129insHisIleTer (NM_001407628.1, NM_001407629.1, NM_001407630.1 and 22 more transcripts); c.3376_3386dup, p.Ile1129_Ser1130insHisIleTer (NM_001407639.1, NM_001407593.1, NM_001407594.1 and 30 more transcripts); c.785-1123_785-1113dup (NM_001408398.1, NM_001407992.1, NM_001408397.1 and 13 more transcripts); c.665-1123_665-1113dup (NM_001408440.1, NM_001408428.1, NM_001408436.1 and 12 more transcripts); c.671-1123_671-1113dup (NM_001408418.1, NM_001408422.1, NM_001408423.1 and 2 more transcripts); c.788-1123_788-1113dup (NM_001407981.1, NM_007298.4, NM_001407978.1 and 17 more transcripts); c.644-1123_644-1113dup (NM_001408462.1, NM_001408465.1, NM_001408463.1 and 3 more transcripts); c.647-1123_647-1113dup (NM_001408456.1, NM_001408458.1, NM_001408469.1 and 11 more transcripts); and 41 more.
Identifiers: ClinVar variation 1999191 (VCV001999191.4), dbSNP rs2552151333, ClinGen allele CA2580093844.

ClinVar aggregate classification (germline): Pathogenic (1 of 4 stars; one submission).

Conditions:
Hereditary breast ovarian cancer syndrome. Also called: Breast and ovarian cancer; Hereditary breast and ovarian cancer syndrome; BRCA1- and BRCA2-Associated Hereditary Breast and Ovarian Cancer; Hereditary breast and ovarian cancer syndrome (HBOC); Hereditary breast and/or ovarian cancer syndrome; Hereditary breast and ovarian cancer. Identifiers: Orphanet 145, MedGen C0677776, MeSH D061325, MONDO:0003582. Disease mechanism: loss of function.

Submission:

Labcorp Genetics (formerly Invitae), Labcorp
Classification: Pathogenic for Hereditary breast ovarian cancer syndrome. Last evaluated: 2022-05-27. Review status: criteria provided, single submitter. Criteria: Invitae Variant Classification Sherloc (09022015). Collection method: clinical testing. Allele origin: germline.
Comment: For these reasons, this variant has been classified as Pathogenic. This variant has not been reported in the literature in individuals affected with BRCA1-related conditions. This variant is not present in population databases (gnomAD no frequency). This sequence change creates a premature translational stop signal (p.Ser1130Hisfs*3) in the BRCA1 gene. It is expected to result in an absent or disrupted protein product. Loss-of-function variants in BRCA1 are known to be pathogenic (PMID: 20104584).

Literature cited by the submitters: PubMed 20104584.